The following is an entry in ClinVar:

NM_005378.6(MYCN):c.1062G>A (p.Ala354=)

Gene: MYCN (MYCN proto-oncogene, bHLH transcription factor; plus strand). Cytogenetic location: 2p24.3.
Variant type: single nucleotide variant.
Coding change: c.1062G>A on transcript NM_005378.6 (MANE Select); coding-DNA position 1062, G replaced by A.
Protein change: p.Ala354=; no amino-acid change (alanine 354 retained).
Molecular consequence: synonymous variant. On other transcripts: 3 prime UTR variant (1).
Genome position (GRCh38, 1-based): chr2:15,945,764, G>A. VCF-style: chr2-15945764-G-A. GRCh37 (hg19) VCF-style: chr2-16085886-G-A.
Other names: c.1062G>A, p.Ala354= (NM_001293228.2); c.429G>A, p.Ala143= (NM_001293231.2); c.*997G>A (NM_001293233.2).
Identifiers: ClinVar variation 702007 (VCV000702007.12), dbSNP rs201114632, ClinGen allele CA1538306.
Genomic context (GRCh38, chr2:15,945,764, plus strand): 5'-CCCCTCTCCCTACGTGGAGAGTGAGGATGCACCCCCACAGAAGAAGATAAAGAGCGAGGC[G>A]TCCCCACGTCCGCTCAAGAGTGTCATCCCCCCAAAGGCTAAGAGCTTGAGCCCCCGAAAC-3'
Protein context (NP_005369.2, residues 344-364): APPQKKIKSE[Ala354=]SPRPLKSVIP

ClinVar aggregate classification (germline): Likely benign. Review status: criteria provided, multiple submitters, no conflicts (2 of 4 stars). 3 submissions from 3 submitters: Likely benign (2). 1 of the submissions does not count toward it. Last evaluated 2025-07-24.

Conditions:
Feingold syndrome type 1 (FGLDS1). Also called: MICROCEPHALY AND DIGITAL ABNORMALITIES WITH NORMAL INTELLIGENCE; MICROCEPHALY, MENTAL RETARDATION, AND TRACHEOESOPHAGEAL FISTULA SYNDROME; MICROCEPHALY-OCULO-DIGITO-ESOPHAGEAL-DUODENAL SYNDROME; OCULODIGITOESOPHAGODUODENAL SYNDROME; ODED SYNDROME. Identifiers: Orphanet 1305, Orphanet 391641, MedGen C4551774, MONDO:0008115, OMIM 164280.
MYCN-related disorder. Also called: MYCN-related condition.

Allele frequency attached by ClinVar (database versions not stated): ExAC 0.00011; gnomAD exomes 0.00022 and 0.00028; ESP Exome Variant Server 0.00031; gnomAD 0.00051 and 0.00055; TOPMed 0.00062.
gnomAD v4.1: 403 of 1,613,926 alleles (0.025%); highest among the groups gnomAD compares: Admixed American, 0.16%; no homozygotes.

Submissions (3):

Labcorp Genetics (formerly Invitae), Labcorp
Classification: Likely benign. Last evaluated: 2025-07-24. Review status: criteria provided, single submitter. Criteria: Invitae Variant Classification Sherloc (09022015). Collection method: clinical testing. Allele origin: germline.

Fulgent Genetics
Classification: Likely benign for Feingold syndrome type 1. Last evaluated: 2021-11-30. Review status: criteria provided, single submitter. Criteria: ACMG Guidelines, 2015. Collection method: clinical testing. Allele origin: unknown.

PreventionGenetics, part of Exact Sciences
Classification: Likely benign for MYCN-related condition. Last evaluated: 2019-05-23. Review status: no assertion criteria provided. Collection method: clinical testing. Allele origin: germline. Not counted in ClinVar's aggregate classification.
Comment: This variant is classified as likely benign based on ACMG/AMP sequence variant interpretation guidelines (Richards et al. 2015 PMID: 25741868, with internal and published modifications).